The following is an entry in ClinVar:

NM_031475.3(ESPN):c.1976_1977insCT (p.Lys660fs)

Gene: ESPN (espin; plus strand). Cytogenetic location: 1p36.31.
Variant type: Insertion.
Coding change: c.1976_1977insCT on transcript NM_031475.3 (MANE Select); coding-DNA positions 1976 to 1977, CT inserted.
Protein change: p.Lys660fs; shifts the reading frame from lysine 660.
Molecular consequence: frameshift variant.
Genome position: GRCh38 VCF-style: chr1-6451662-A-ATC. GRCh37 (hg19) VCF-style: chr1-6511722-A-ATC.
Other names: c.1886_1887insCT, p.Lys630fs (NM_001367473.1); c.1913_1914insCT, p.Lys639fs (NM_001367474.1); short protein forms K630fs, K639fs, K660fs.
Identifiers: ClinVar variation 4850343 (VCV004850343.2).

ClinVar aggregate classification (germline): Pathogenic/Likely pathogenic. Review status: criteria provided, multiple submitters, no conflicts (2 of 4 stars). 2 submissions from 2 submitters: Pathogenic (1); Likely pathogenic (1). Last evaluated 2026-08-01.

Conditions:
Usher syndrome, type 1M. Identifiers: MedGen C5231434, MONDO:0032841, OMIM 618632.
Autosomal recessive nonsyndromic hearing loss 36. Also called: DEAFNESS, AUTOSOMAL RECESSIVE 36, WITH VESTIBULAR INVOLVEMENT; Deafness, autosomal recessive 36. Identifiers: Orphanet 90636, MedGen C1837007, MONDO:0012170, OMIM 609006.

Submissions (2):

CeGaT Center for Human Genetics Tuebingen
Classification: Pathogenic. Last evaluated: 2026-08-01. Review status: criteria provided, single submitter. Criteria: CeGaT Center For Human Genetics Tuebingen Variant Classification Criteria Version 2. Collection method: clinical testing. Allele origin: germline. Affected: yes. Observed: 1 variant allele.
Comment: ESPN: PVS1, PM2

First Genomix Gene Laboratory, Genetic Diagnostics Department
Classification: Likely pathogenic for Autosomal recessive nonsyndromic hearing loss 36; Usher syndrome, type 1M. Last evaluated: 2025-09-17. Review status: criteria provided, single submitter. Criteria: ACMG Guidelines, 2015. Collection method: clinical testing. Allele origin: germline. Inheritance: Autosomal recessive inheritance. Affected: no. Observed: 1 variant allele.